The following is an entry in ClinVar:

NM_198576.4(AGRN):c.3764C>T (p.Ala1255Val)

Gene: AGRN (agrin; plus strand). Cytogenetic location: 1p36.33.
Variant type: single nucleotide variant.
Coding change: c.3764C>T on transcript NM_198576.4 (MANE Select); coding-DNA position 3764, C replaced by T.
Protein change: p.Ala1255Val; replaces alanine 1255 with valine.
Molecular consequence: missense variant.
Genome position (GRCh38, 1-based): chr1:1,048,024, C>T. VCF-style: chr1-1048024-C-T. GRCh37 (hg19) VCF-style: chr1-983404-C-T.
Other names: c.3764C>T, p.Ala1255Val (NM_001305275.2); c.3449C>T, p.Ala1150Val (NM_001364727.2); short protein forms A1255V, A1150V.
Identifiers: ClinVar variation 642196 (VCV000642196.10), dbSNP rs137965991, ClinGen allele CA509233.

ClinVar aggregate classification (germline): Uncertain significance. Review status: criteria provided, multiple submitters, no conflicts (2 of 4 stars). 4 submissions from 4 submitters: Uncertain significance (4). Last evaluated 2024-12-06.

Conditions:
Congenital myasthenic syndrome 8. Also called: MYASTHENIC SYNDROME, CONGENITAL, DUE TO AGRIN DEFICIENCY; Myasthenic syndrome, congenital, 8, with pre- and postsynaptic defects. Identifiers: Orphanet 590, MedGen C3808739, MONDO:0014052, OMIM 615120.

Allele frequency attached by ClinVar (database versions not stated): 1000 Genomes Project 30x 0.00016; gnomAD 0.00016; TOPMed 0.00017; 1000 Genomes Project 0.00020; gnomAD exomes 0.00022; ESP Exome Variant Server 0.00023; ExAC 0.00046.
gnomAD v4.1: 254 of 1,584,214 alleles (0.016%); highest among the groups gnomAD compares: Middle Eastern, 0.083%; no homozygotes.

Submissions (4):

GeneDx
Classification: Uncertain significance. Last evaluated: 2024-12-06. Review status: criteria provided, single submitter. Criteria: GeneDx Variant Classification Process June 2021. Collection method: clinical testing. Allele origin: germline. Affected: yes.
Comment: In silico analysis indicates that this missense variant does not alter protein structure/function; Reported as a de novo variant in a patient with autism in published literature; however, detailed clinical information was not provided (PMID: 35982160); This variant is associated with the following publications: (PMID: 35982160, 35982159)

Labcorp Genetics (formerly Invitae), Labcorp
Classification: Uncertain significance for Congenital myasthenic syndrome 8. Last evaluated: 2022-10-25. Review status: criteria provided, single submitter. Criteria: Invitae Variant Classification Sherloc (09022015). Collection method: clinical testing. Allele origin: germline.
Comment: This sequence change replaces alanine, which is neutral and non-polar, with valine, which is neutral and non-polar, at codon 1255 of the AGRN protein (p.Ala1255Val). This variant is present in population databases (rs137965991, gnomAD 0.1%). This variant has not been reported in the literature in individuals affected with AGRN-related conditions. ClinVar contains an entry for this variant (Variation ID: 642196). Algorithms developed to predict the effect of missense changes on protein structure and function (SIFT, PolyPhen-2, Align-GVGD) all suggest that this variant is likely to be tolerated. In summary, the available evidence is currently insufficient to determine the role of this variant in disease. Therefore, it has been classified as a Variant of Uncertain Significance.

Baylor Genetics
Classification: Uncertain significance for Congenital myasthenic syndrome 8. Last evaluated: 2019-02-21. Review status: criteria provided, single submitter. Criteria: ACMG Guidelines, 2015. Collection method: clinical testing. Allele origin: unknown. Affected: yes.
Comment: This variant was determined to be of uncertain significance according to ACMG Guidelines, 2015 [PMID:25741868].

Royal Medical Services, Bahrain Defence Force Hospital
Classification: Uncertain significance for Congenital myasthenic syndrome 8. Review status: criteria provided, single submitter. Criteria: ACMG Guidelines, 2015. Collection method: clinical testing. Allele origin: inherited. Inheritance: Autosomal recessive inheritance. Affected: yes. Observed: 1 homozygote.